The following is an entry in ClinVar:

ClinVar aggregate classification (germline): Conflicting classifications of pathogenicity. Review status: criteria provided, conflicting classifications (1 of 4 stars). 2 submissions from 2 submitters: Uncertain significance (1); Benign (1). Last evaluated 2025-04-17.

Conditions:
Kleefstra syndrome 1 (KLEFS1). Identifiers: Orphanet 261494, MedGen C0795833, MONDO:0027407, OMIM 610253.

Allele frequency attached by ClinVar (database versions not stated): gnomAD 0.00001; TOPMed 0.00001; gnomAD exomes 0.00001.
gnomAD v4.1: 10 of 1,611,742 alleles (0.00062%); highest among the groups gnomAD compares: Non-Finnish European, 0.00085%; no homozygotes.

Submissions (2):

Labcorp Genetics (formerly Invitae), Labcorp
Classification: Benign for Kleefstra syndrome 1. Last evaluated: 2025-04-17. Review status: criteria provided, single submitter. Criteria: Invitae Variant Classification Sherloc (09022015). Collection method: clinical testing. Allele origin: germline.

GeneDx
Classification: Uncertain significance. Last evaluated: 2023-01-26. Review status: criteria provided, single submitter. Criteria: GeneDx Variant Classification Process June 2021. Collection method: clinical testing. Allele origin: germline. Affected: yes.
Comment: Not observed at significant frequency in large population cohorts (gnomAD); In silico analysis supports that this missense variant does not alter protein structure/function; Has not been previously published as pathogenic or benign to our knowledge

NM_024757.5(EHMT1):c.425C>T (p.Thr142Ile)

Gene: EHMT1 (euchromatic histone lysine methyltransferase 1; plus strand). Cytogenetic location: 9q34.3.
Variant type: single nucleotide variant.
Coding change: c.425C>T on transcript NM_024757.5 (MANE Select); coding-DNA position 425, C replaced by T.
Protein change: p.Thr142Ile; replaces threonine 142 with isoleucine.
Molecular consequence: missense variant.
Genome position (GRCh38, 1-based): chr9:137,716,965, C>T. VCF-style: chr9-137716965-C-T. GRCh37 (hg19) VCF-style: chr9-140611417-C-T.
Other names: c.425C>T, p.Thr142Ile (NM_001145527.2, NM_001354263.2, NM_001354611.2); c.332C>T, p.Thr111Ile (NM_001354259.2, NM_001354612.2); c.425C>T (NM_024757.4); short protein forms T111I, T142I.
Identifiers: ClinVar variation 1963544 (VCV001963544.6), dbSNP rs1164812479, ClinGen allele CA375765047.
Genomic context (GRCh38, chr9:137,716,965, plus strand): 5'-GCAACGGATACATCTTAAATAAGCCGGCCCTACAGGCACAGCCCTTGAGGACTACCAGCA[C>T]TCTGGCCTCTTCGCTGCCTGGCCATGCTGCAAAAACCCTTCCTGGAGGGGCTGGCAAAGG-3'
Protein context (NP_079033.4, residues 132-152): LQAQPLRTTS[Thr142Ile]LASSLPGHAA